The following is an entry in ClinVar:

ClinVar aggregate classification (germline): Uncertain significance (1 of 4 stars; one submission).

gnomAD v4.1: 3 of 1,569,102 alleles (0.00019%); highest among the groups gnomAD compares: South Asian, 0.0023%; no homozygotes.

Submission:

GeneDx
Classification: Uncertain significance. Last evaluated: 2022-03-04. Review status: criteria provided, single submitter. Criteria: GeneDx Variant Classification Process June 2021. Collection method: clinical testing. Allele origin: germline. Affected: yes.
Comment: Not observed at significant frequency in large population cohorts (gnomAD); In silico analysis supports that this missense variant has a deleterious effect on protein structure/function; Has not been previously published as pathogenic or benign to our knowledge

NM_001277115.2(DNAH11):c.11782C>G (p.Pro3928Ala)

Gene: DNAH11 (dynein axonemal heavy chain 11; plus strand). Cytogenetic location: 7p15.3.
Variant type: single nucleotide variant.
Coding change: c.11782C>G on transcript NM_001277115.2 (MANE Select); coding-DNA position 11782, C replaced by G.
Protein change: p.Pro3928Ala; replaces proline 3928 with alanine.
Molecular consequence: missense variant.
Genome position (GRCh38, 1-based): chr7:21,867,950, C>G. VCF-style: chr7-21867950-C-G. GRCh37 (hg19) VCF-style: chr7-21907568-C-G.
Other names: short protein forms P3928A.
Identifiers: ClinVar variation 1703923 (VCV001703923.2), dbSNP rs200216795, ClinGen allele CA366962451.